The following is an entry in ClinVar:

NM_001135580.2(TEKTIP1):c.231C>G (p.Tyr77Ter)

Genes: MFSD12 (major facilitator superfamily domain containing 12; minus strand), TEKTIP1 (tektin bundle interacting protein 1; plus strand). Cytogenetic location: 19p13.3.
Variant type: single nucleotide variant.
Coding change: c.231C>G on transcript NM_001135580.2 (MANE Select); coding-DNA position 231, C replaced by G.
Protein change: p.Tyr77Ter; replaces tyrosine 77 with a stop codon.
Molecular consequence: nonsense.
Genome position (GRCh38, 1-based): chr19:3,543,382, C>G. VCF-style: chr19-3543382-C-G. GRCh37 (hg19) VCF-style: chr19-3543380-C-G.
Other names: short protein forms Y77*.
Identifiers: ClinVar variation 2648989 (VCV002648989.24), dbSNP rs201844208, ClinGen allele CA9078798.

ClinVar aggregate classification (germline): Likely benign (1 of 4 stars; one submission).

Allele frequency attached by ClinVar (database versions not stated): 1000 Genomes Project 30x 0.00156; 1000 Genomes Project 0.00160; ExAC 0.00298; TOPMed 0.00385; gnomAD 0.00430; gnomAD exomes 0.00695.
gnomAD v4.1: 10,267 of 1,549,292 alleles (0.66%); highest among the groups gnomAD compares: Non-Finnish European, 0.82%; 54 homozygotes.

Submission:

CeGaT Center for Human Genetics Tuebingen
Classification: Likely benign. Last evaluated: 2023-03-01. Review status: criteria provided, single submitter. Criteria: CeGaT Center For Human Genetics Tuebingen Variant Classification Criteria Version 2. Collection method: clinical testing. Allele origin: germline. Affected: yes. Observed: 3 variant alleles.
Comment: TEKTIP1: BS2